The following is an entry in ClinVar:

NM_001927.4(DES):c.365A>G (p.Tyr122Cys)

Gene: DES (desmin; plus strand). Cytogenetic location: 2q35.
Variant type: single nucleotide variant.
Coding change: c.365A>G on transcript NM_001927.4 (MANE Select); coding-DNA position 365, A replaced by G.
Protein change: p.Tyr122Cys; replaces tyrosine 122 with cysteine.
Molecular consequence: missense variant.
Genome position (GRCh38, 1-based): chr2:219,418,827, A>G. VCF-style: chr2-219418827-A-G. GRCh37 (hg19) VCF-style: chr2-220283549-A-G.
Other names: c.365A>G (LRG_380t1); short protein forms Y122C.
Identifiers: ClinVar variation 618590 (VCV000618590.17), dbSNP rs1400593451, ClinGen allele CA350685550.

ClinVar aggregate classification (germline): Conflicting classifications of pathogenicity. Review status: criteria provided, conflicting classifications (1 of 4 stars). 4 submissions from 4 submitters: Likely pathogenic (2); Uncertain significance (2). Last evaluated 2025-09-23.

Conditions:
Desmin-related myofibrillar myopathy (MFM1). Also called: Desminopathy; Desmin related myopathy (former name); Desmin storage myopathy (former name); MYOFIBRILLAR MYOPATHY WITH ARRHYTHMOGENIC RIGHT VENTRICULAR CARDIOMYOPATHY; DESMIN-RELATED MYOPATHY WITH ARRHYTHMOGENIC RIGHT VENTRICULAR CARDIOMYOPATHY; Myofibrillar myopathy 1. Identifiers: Orphanet 363543, Orphanet 98909, MedGen C1832370, MONDO:0011076, OMIM 601419.
Cardiomyopathy (CMYO). Also called: Cardiomyopathies. Identifiers: Orphanet 167848, MedGen C0878544, MONDO:0004994, HP:0001638. Inheritance: Various modes of inheritance.
Arrhythmogenic right ventricular cardiomyopathy (ARVD). Also called: Arrhythmogenic cardiomyopathy; Cardiomyopathy, ARVC; Arrhythmogenic right ventricular dysplasia; Arrhythmogenic Right Ventricular Cardiomyopathy (ARVC). Identifiers: Orphanet 247, MedGen C0349788, MeSH D019571, MONDO:0016587. Disease mechanism: loss of function. Inheritance: Various modes of inheritance.

Submissions (4):

Labcorp Genetics (formerly Invitae), Labcorp
Classification: Uncertain significance for Desmin-related myofibrillar myopathy. Last evaluated: 2025-09-23. Review status: criteria provided, single submitter. Criteria: Invitae Variant Classification Sherloc (09022015). Collection method: clinical testing. Allele origin: germline.
Comment: This sequence change replaces tyrosine, which is neutral and polar, with cysteine, which is neutral and slightly polar, at codon 122 of the DES protein (p.Tyr122Cys). This variant is not present in population databases (gnomAD no frequency). This missense change has been observed in individual(s) with clinical features of arrhythmogenic right ventricular cardiomyopathy (PMID: 27532257). ClinVar contains an entry for this variant (Variation ID: 618590). Invitae Evidence Modeling of protein sequence and biophysical properties (such as structural, functional, and spatial information, amino acid conservation, physicochemical variation, residue mobility, and thermodynamic stability) indicates that this missense variant is expected to disrupt DES protein function with a positive predictive value of 95%. Experimental studies have shown that this missense change affects DES function (PMID: 31718026, 36497166). In summary, the available evidence is currently insufficient to determine the role of this variant in disease. Therefore, it has been classified as a Variant of Uncertain Significance.

CHEO Genetics Diagnostic Laboratory, Children's Hospital of Eastern Ontario
Classification: Likely pathogenic for Cardiomyopathy. Last evaluated: 2021-02-23. Review status: criteria provided, single submitter. Criteria: ACMG Guidelines, 2015. Collection method: clinical testing. Allele origin: germline.

Center for Advanced Laboratory Medicine, UC San Diego Health, University of California San Diego
Classification: Likely pathogenic for Arrhythmogenic right ventricular cardiomyopathy. Last evaluated: 2018-01-03. Review status: criteria provided, single submitter. Criteria: ACMG Guidelines, 2015. Collection method: clinical testing. Allele origin: germline. Affected: yes. Observed: 1 variant allele.

ARUP Laboratories, Molecular Genetics and Genomics, ARUP Laboratories
Classification: Uncertain significance. Last evaluated: 2017-07-21. Review status: criteria provided, single submitter. Criteria: ARUP Molecular Germline Variant Investigation Process. Collection method: clinical testing. Allele origin: germline.
Comment: The p.Tyr122Cys is absent from general population databases such as 1000 Genomes, NHLBI GO Exome Sequencing Project (ESP), and the Exome Aggregation Consortium (ExAC) browser. The tyrosine at position 122 is highly conserved considering ten species (Alamut v2.9.0) and computational analyses of the effects of the p.Tyr122Cys variant on protein structure and function is deleterious (SIFT: damaging, MutationTaster: probably damaging, PolyPhen-2: disease causing). Comparing rare variants in a cohort of patients with ARCV against frequencies in ExAC, Walsh et al. (2017) classify the p.Tyr122Cys variant as likely pathogenic; however the variant was observed in only one patient. Altogether, there is not enough evidence to classify the p.Tyr122Cys variant with certainty.

Literature cited by the submitters: PubMed 27532257 (cited by Labcorp Genetics (formerly Invitae), Labcorp); PubMed 31718026 (cited by Labcorp Genetics (formerly Invitae), Labcorp); PubMed 36497166 (cited by Labcorp Genetics (formerly Invitae), Labcorp).